The following is an entry in ClinVar:

ClinVar aggregate classification (germline): Uncertain significance (1 of 4 stars; one submission).

Conditions:
Nephronophthisis. Also called: Juvenile Nephronophthisis. Identifiers: Orphanet 655, MedGen C0687120, MONDO:0019005, HP:0000090.

Allele frequency attached by ClinVar (database versions not stated): gnomAD 0.00001; TOPMed 0.00002.
gnomAD v4.1: 2 of 1,486,246 alleles (0.00013%); highest among the groups gnomAD compares: African/African-American, 0.0028%; no homozygotes.

Submission:

Labcorp Genetics (formerly Invitae), Labcorp
Classification: Uncertain significance for Nephronophthisis. Last evaluated: 2020-05-05. Review status: criteria provided, single submitter. Criteria: Invitae Variant Classification Sherloc (09022015). Collection method: clinical testing. Allele origin: germline.
Comment: In summary, the available evidence is currently insufficient to determine the role of this variant in disease. Therefore, it has been classified as a Variant of Uncertain Significance. Algorithms developed to predict the effect of missense changes on protein structure and function are either unavailable or do not agree on the potential impact of this missense change (SIFT: "Deleterious"; PolyPhen-2: "Benign"; Align-GVGD: "Class C0"). This variant has not been reported in the literature in individuals with NPHP3-related conditions. This variant is not present in population databases (ExAC no frequency). This sequence change replaces isoleucine with threonine at codon 364 of the NPHP3 protein (p.Ile364Thr). The isoleucine residue is highly conserved and there is a moderate physicochemical difference between isoleucine and threonine.

NM_153240.5(NPHP3):c.1091T>C (p.Ile364Thr)

Genes: NPHP3 (nephrocystin 3; minus strand), NPHP3-ACAD11 (NPHP3-ACAD11 readthrough (NMD candidate); minus strand). Cytogenetic location: 3q22.1.
Variant type: single nucleotide variant.
Coding change: c.1091T>C on transcript NM_153240.5 (MANE Select); coding-DNA position 1091, T replaced by C.
Protein change: p.Ile364Thr; replaces isoleucine 364 with threonine.
Molecular consequence: missense variant. On other transcripts: non-coding transcript variant (1).
Genome position (GRCh38, 1-based): chr3:132,713,153, A>G on the plus strand (T>C on the coding strand, the complement: NPHP3 is on the minus strand). VCF-style: chr3-132713153-A-G. GRCh37 (hg19) VCF-style: chr3-132431997-A-G.
Other names: short protein forms I364T.
Identifiers: ClinVar variation 1017677 (VCV001017677.7), dbSNP rs1186561814, ClinGen allele CA354585392.